The following is an entry in ClinVar:

ClinVar aggregate classification (germline): Pathogenic (1 of 4 stars; one submission).

Conditions:
Tuberous sclerosis 1 (TSC1). Identifiers: Orphanet 805, MedGen C1854465, MONDO:0008612, OMIM 191100.

Submission:

Labcorp Genetics (formerly Invitae), Labcorp
Classification: Pathogenic for Tuberous sclerosis 1. Last evaluated: 2025-01-08. Review status: criteria provided, single submitter. Criteria: Invitae Variant Classification Sherloc (09022015). Collection method: clinical testing. Allele origin: germline.
Comment: This sequence change creates a premature translational stop signal (p.Pro548Hisfs*9) in the TSC1 gene. It is expected to result in an absent or disrupted protein product. Loss-of-function variants in TSC1 are known to be pathogenic (PMID: 10227394, 17304050). This variant is not present in population databases (gnomAD no frequency). This variant has not been reported in the literature in individuals affected with TSC1-related conditions. For these reasons, this variant has been classified as Pathogenic.

Literature cited by the submitters: PubMed 10227394; PubMed 17304050.

NM_000368.5(TSC1):c.1641_1642dup (p.Pro548fs)

Gene: TSC1 (TSC complex subunit 1; minus strand). Cytogenetic location: 9q34.13.
Variant type: Microsatellite.
Coding change: c.1641_1642dup on transcript NM_000368.5 (MANE Select); coding-DNA positions 1641 to 1642, 2 bases duplicated (AC; older notation c.1641_1642dupAC).
Protein change: p.Pro548fs; shifts the reading frame from proline 548.
Molecular consequence: frameshift variant. On other transcripts: non-coding transcript variant (5).
Genome position (GRCh38, 1-based): chr9:132,905,936-132,905,937, GT duplicated on the plus strand (AC on the coding strand, the reverse complement: TSC1 is on the minus strand); duplicating any 2 consecutive bases within chr9:132,905,936-132,905,941 gives the same sequence; the c. name uses the placement nearest the transcript's 3' end. VCF-style (leftmost placement, unchanged base first): chr9-132905935-G-GGT. GRCh37 (hg19) VCF-style: chr9-135781322-G-GGT.
Other names: c.1638_1639dup, p.Pro547fs (NM_001162426.2, NM_001406597.1, NM_001406598.1 and 6 more transcripts); c.1488_1489dup, p.Pro497fs (NM_001162427.2, NM_001406610.1); c.1278_1279dup, p.Pro427fs (NM_001362177.2, NM_001406614.1, NM_001406615.1 and 5 more transcripts); c.1641_1642dup, p.Pro548fs (NM_001406592.1, NM_001406593.1, NM_001406594.1 and 7 more transcripts); c.1485_1486dup, p.Pro496fs (NM_001406611.1, NM_001406612.1, NM_001406613.1); c.1275_1276dup, p.Pro426fs (NM_001406620.1, NM_001406621.1, NM_001406622.1 and 2 more transcripts); c.690_691dup, p.Pro231fs (NM_001406626.1); c.687_688dup, p.Pro230fs (NM_001406627.1, NM_001406628.1); and 1 more; short protein forms P427fs, P497fs, P197fs, P496fs, P231fs, P426fs, P547fs, P548fs.
Identifiers: ClinVar variation 3728669 (VCV003728669.2).
Genomic context (GRCh38, chr9:132,905,935, plus strand): 5'-CCCGCAGGGCTTTCATCAGCACTGCCGCAGGGCAGGTCTATGGGAGTAAAGGCTTGCTTT[G>GGT]GTGTGTCAGGCCCAAGCTTGTCCAGGGAGGAGTGTAAAGGCTCAGGGTTCACGCTGGCGC-3'